The following is an entry in ClinVar:

NM_005993.5(TBCD):c.731T>C (p.Met244Thr)

Gene: TBCD (tubulin folding cofactor D). Cytogenetic location: 17q25.3.
Variant type: single nucleotide variant.
Coding change: c.731T>C on transcript NM_005993.5 (MANE Select); coding-DNA position 731, T replaced by C.
Protein change: p.Met244Thr; replaces methionine 244 with threonine.
Molecular consequence: missense variant.
Genome position (GRCh38, 1-based): chr17:82,781,681, T>C. VCF-style: chr17-82781681-T-C. GRCh37 (hg19) VCF-style: chr17-80739557-T-C.
Other names: c.680T>C, p.Met227Thr (NM_001411101.1); c.731T>C, p.Met244Thr (NM_001411102.1); short protein forms M227T, M244T.
Identifiers: ClinVar variation 1907442 (VCV001907442.2), dbSNP rs552699232, ClinGen allele CA8861723.

ClinVar aggregate classification (germline): Uncertain significance (1 of 4 stars; one submission).

Allele frequency attached by ClinVar (database versions not stated): gnomAD exomes 0.00001; ExAC 0.00002; gnomAD 0.00005; TOPMed 0.00005; 1000 Genomes Project 30x 0.00016; 1000 Genomes Project 0.00020.
gnomAD v4.1: 16 of 1,613,880 alleles (0.00099%); highest among the groups gnomAD compares: African/African-American, 0.016%; no homozygotes.

Submission:

Labcorp Genetics (formerly Invitae), Labcorp
Classification: Uncertain significance. Last evaluated: 2022-09-01. Review status: criteria provided, single submitter. Criteria: Invitae Variant Classification Sherloc (09022015). Collection method: clinical testing. Allele origin: germline.
Comment: This sequence change replaces methionine, which is neutral and non-polar, with threonine, which is neutral and polar, at codon 244 of the TBCD protein (p.Met244Thr). The frequency data for this variant in the population databases is considered unreliable, as metrics indicate poor data quality at this position in the gnomAD database. This variant has not been reported in the literature in individuals affected with TBCD-related conditions. Algorithms developed to predict the effect of missense changes on protein structure and function are either unavailable or do not agree on the potential impact of this missense change (SIFT: "Deleterious"; PolyPhen-2: "Benign"; Align-GVGD: "Class C0"). In summary, the available evidence is currently insufficient to determine the role of this variant in disease. Therefore, it has been classified as a Variant of Uncertain Significance.